The following is an entry in ClinVar:

NM_004370.6(COL12A1):c.5762A>G (p.Asp1921Gly)

Gene: COL12A1 (collagen type XII alpha 1 chain; minus strand). Cytogenetic location: 6q13.
Variant type: single nucleotide variant.
Coding change: c.5762A>G on transcript NM_004370.6 (MANE Select); coding-DNA position 5762, A replaced by G.
Protein change: p.Asp1921Gly; replaces aspartic acid 1921 with glycine.
Molecular consequence: missense variant.
Genome position (GRCh38, 1-based): chr6:75,133,325, T>C on the plus strand (A>G on the coding strand, the complement: COL12A1 is on the minus strand). VCF-style: chr6-75133325-T-C. GRCh37 (hg19) VCF-style: chr6-75843041-T-C.
Other names: c.2270A>G, p.Asp757Gly (NM_080645.3); short protein forms D1921G, D757G.
Identifiers: ClinVar variation 1320401 (VCV001320401.12), dbSNP rs757348453, ClinGen allele CA3893019.

ClinVar aggregate classification (germline): Uncertain significance. Review status: criteria provided, multiple submitters, no conflicts (2 of 4 stars). 5 submissions from 5 submitters: Uncertain significance (5). Last evaluated 2025-08-11.

Conditions:
Bethlem myopathy 2 (BTHLM2). Identifiers: Orphanet 536516, Orphanet 610, MedGen C4225313, MONDO:0034022, OMIM 616471.
Ullrich congenital muscular dystrophy 2 (UCMD2). Identifiers: Orphanet 75840, MedGen C4225314, MONDO:0014654, OMIM 616470.
Inborn genetic diseases. Identifiers: MedGen C0950123, MeSH D030342.

Allele frequency attached by ClinVar (database versions not stated): gnomAD 0.00005 and 0.00006; gnomAD exomes 0.00001; ExAC 0.00001; TOPMed 0.00005.
gnomAD v4.1: 15 of 1,607,192 alleles (0.00093%); highest among the groups gnomAD compares: Middle Eastern, 0.016%; no homozygotes.

Submissions (5):

Labcorp Genetics (formerly Invitae), Labcorp
Classification: Uncertain significance for Bethlem myopathy 2; Ullrich congenital muscular dystrophy 2. Last evaluated: 2025-08-11. Review status: criteria provided, single submitter. Criteria: Invitae Variant Classification Sherloc (09022015). Collection method: clinical testing. Allele origin: germline.
Comment: This sequence change replaces aspartic acid, which is acidic and polar, with glycine, which is neutral and non-polar, at codon 1921 of the COL12A1 protein (p.Asp1921Gly). This variant is present in population databases (rs757348453, gnomAD 0.006%). This variant has not been reported in the literature in individuals affected with COL12A1-related conditions. ClinVar contains an entry for this variant (Variation ID: 1320401). Invitae Evidence Modeling of protein sequence and biophysical properties (such as structural, functional, and spatial information, amino acid conservation, physicochemical variation, residue mobility, and thermodynamic stability) indicates that this missense variant is not expected to disrupt COL12A1 protein function with a negative predictive value of 80%. In summary, the available evidence is currently insufficient to determine the role of this variant in disease. Therefore, it has been classified as a Variant of Uncertain Significance.

Ambry Genetics
Classification: Uncertain significance for Inborn genetic diseases. Last evaluated: 2024-06-07. Review status: criteria provided, single submitter. Criteria: Ambry Variant Classification Scheme 2023. Collection method: clinical testing. Allele origin: germline.

Revvity Omics, Revvity
Classification: Uncertain significance. Last evaluated: 2019-08-05. Review status: criteria provided, single submitter. Criteria: ACMG Guidelines, 2015. Collection method: clinical testing. Allele origin: germline.

GeneDx
Classification: Uncertain significance. Last evaluated: 2019-07-12. Review status: criteria provided, single submitter. Criteria: GeneDx Variant Classification Process June 2021. Collection method: clinical testing. Allele origin: germline. Affected: yes.
Comment: Has not been previously published as pathogenic or benign to our knowledge; Not observed at a significant frequency in large population cohorts (Lek et al., 2016); In silico analysis, which includes protein predictors and evolutionary conservation, supports that this variant does not alter protein structure/function

Center for Genomics, Ann and Robert H. Lurie Children's Hospital of Chicago
Classification: Uncertain significance for Ullrich congenital muscular dystrophy 2; Bethlem myopathy 2. Review status: criteria provided, single submitter. Criteria: ACMG Guidelines, 2015. Collection method: clinical testing. Allele origin: germline.
Comment: COL12A1 NM_004370.5 exon 34 p.Asp1921Gly (c.5762A>G): This variant has not been reported in the literature but is present in 0.03% (6/15270) of European alleles in the Genome Aggregation Database. Evolutionary conservation suggests that this variant may not impact the protein; computational predictive tools for this variant are unclear. In summary, data on this variant is insufficient for disease classification. Therefore, the clinical significance of this variant is uncertain.